The following is an entry in ClinVar:

NM_177438.3(DICER1):c.988C>T (p.Gln330Ter)

Gene: DICER1 (dicer 1, ribonuclease III; minus strand). Cytogenetic location: 14q32.13.
Variant type: single nucleotide variant.
Coding change: c.988C>T on transcript NM_177438.3 (MANE Select); coding-DNA position 988, C replaced by T.
Protein change: p.Gln330Ter; replaces glutamine 330 with a stop codon.
Molecular consequence: nonsense.
Genome position (GRCh38, 1-based): chr14:95,124,584, G>A on the plus strand (C>T on the coding strand, the complement: DICER1 is on the minus strand). VCF-style: chr14-95124584-G-A. GRCh37 (hg19) VCF-style: chr14-95590921-G-A.
Other names: c.988C>T, p.Gln330Ter (NM_001195573.1, NM_001271282.3, NM_001291628.2 and 1 more transcripts); short protein forms Q330*.
Identifiers: ClinVar variation 933007 (VCV000933007.13), dbSNP rs1893239532, ClinGen allele CA390887221.

ClinVar aggregate classification (germline): Pathogenic. Review status: criteria provided, multiple submitters, no conflicts (2 of 4 stars). 3 submissions from 3 submitters: Pathogenic (3). Last evaluated 2025-01-24.

Conditions:
DICER1-related tumor predisposition. Also called: DICER1-related pleuropulmonary blastoma cancer predisposition syndrome; DICER1 syndrome. Identifiers: Orphanet 284343, MedGen C3839822, MONDO:0100216.

Submissions (3):

Department of Clinical Genetics, Copenhagen University Hospital, Rigshospitalet
Classification: Pathogenic for DICER1-related tumor predisposition. Last evaluated: 2025-01-24. Review status: criteria provided, single submitter. Criteria: ACMG Guidelines, 2015. Collection method: clinical testing. Allele origin: germline.
Comment: The following ACMG criteria have been used in classification: PM2_SUP; PVS1; PS4_SUP

Labcorp Genetics (formerly Invitae), Labcorp
Classification: Pathogenic for DICER1-related tumor predisposition. Last evaluated: 2020-12-25. Review status: criteria provided, single submitter. Criteria: Invitae Variant Classification Sherloc (09022015). Collection method: clinical testing. Allele origin: germline.
Comment: For these reasons, this variant has been classified as Pathogenic. This variant has been observed in individual(s) with clinical features of DICER1 syndrome (PMID: 29938629). ClinVar contains an entry for this variant (Variation ID: 933007). This variant is not present in population databases (ExAC no frequency). This sequence change creates a premature translational stop signal (p.Gln330*) in the DICER1 gene. It is expected to result in an absent or disrupted protein product. Loss-of-function variants in DICER1 are known to be pathogenic (PMID: 19556464, 21266384).

Foulkes Cancer Genetics LDI, Lady Davis Institute for Medical Research
Classification: Pathogenic for Pleuropulmonary blastoma. Last evaluated: 2019-07-01. Review status: criteria provided, single submitter. Criteria: ACMG Guidelines, 2015. Collection method: curation. Allele origin: germline. Affected: yes. Observed: 2 variant alleles.
Comment: ACMG criteria met: PVS1, PM2, PM7

Literature cited by the submitters: PubMed 34552563 (cited by Department of Clinical Genetics, Copenhagen University Hospital, Rigshospitalet); PubMed 29938629 (cited by Department of Clinical Genetics, Copenhagen University Hospital, Rigshospitalet and Labcorp Genetics (formerly Invitae), Labcorp); PubMed 19556464 (cited by Labcorp Genetics (formerly Invitae), Labcorp); PubMed 21266384 (cited by Labcorp Genetics (formerly Invitae), Labcorp); PubMed 30260442 (cited by Foulkes Cancer Genetics LDI, Lady Davis Institute for Medical Research).